The following is an entry in ClinVar:

ClinVar aggregate classification (germline): Pathogenic (1 of 4 stars; one submission).

Conditions:
Fructose-biphosphatase deficiency (FBP1D). Also called: Fructose 1,6 Bisphosphatase Deficiency; Fructose-1,6-Bisphosphatase 1 Deficiency; Fructose-1,6-Diphosphatase Deficiency. Identifiers: Orphanet 348, MedGen C0016756, MONDO:0009251, OMIM 229700.

Submission:

Labcorp Genetics (formerly Invitae), Labcorp
Classification: Pathogenic for Fructose-biphosphatase deficiency. Last evaluated: 2023-08-18. Review status: criteria provided, single submitter. Criteria: Invitae Variant Classification Sherloc (09022015). Collection method: clinical testing. Allele origin: germline.
Comment: This sequence change creates a premature translational stop signal (p.Val115Leufs*3) in the FBP1 gene. It is expected to result in an absent or disrupted protein product. Loss-of-function variants in FBP1 are known to be pathogenic (PMID: 9382095, 19259699, 27101822). This variant is not present in population databases (gnomAD no frequency). This variant has not been reported in the literature in individuals affected with FBP1-related conditions. For these reasons, this variant has been classified as Pathogenic.

Literature cited by the submitters: PubMed 9382095; PubMed 19259699; PubMed 27101822.

NM_000507.4(FBP1):c.343_347del (p.Val115fs)

Gene: FBP1 (fructose-bisphosphatase 1; minus strand). Cytogenetic location: 9q22.32.
Variant type: Deletion.
Coding change: c.343_347del on transcript NM_000507.4 (MANE Select); coding-DNA positions 343 to 347, 5 bases deleted (GTGGT; older notation c.343_347delGTGGT).
Protein change: p.Val115fs; shifts the reading frame from valine 115.
Molecular consequence: frameshift variant.
Genome position (GRCh38, 1-based): chr9:94,617,847-94,617,851, ACCAC deleted on the plus strand (GTGGT on the coding strand, the reverse complement: FBP1 is on the minus strand); deleting any 5 consecutive bases within chr9:94,617,847-94,617,852 gives the same sequence; the c. name uses the placement nearest the transcript's 3' end. VCF-style (leftmost placement, unchanged base first): chr9-94617846-GACCAC-G. GRCh37 (hg19) VCF-style: chr9-97380128-GACCAC-G.
Other names: c.343_347del, p.Val115fs (NM_001127628.2); short protein forms V115fs.
Identifiers: ClinVar variation 2753761 (VCV002753761.3), dbSNP rs2538944759, ClinGen allele CA2690769707.